The following is an entry in ClinVar:

NM_004870.4(MPDU1):c.589T>C (p.Ser197Pro)

Gene: MPDU1 (mannose-P-dolichol utilization defect 1; plus strand). Cytogenetic location: 17p13.1.
Variant type: single nucleotide variant.
Coding change: c.589T>C on transcript NM_004870.4 (MANE Select); coding-DNA position 589, T replaced by C.
Protein change: p.Ser197Pro; replaces serine 197 with proline.
Molecular consequence: missense variant. On other transcripts: synonymous variant (1), non-coding transcript variant (1).
Genome position (GRCh38, 1-based): chr17:7,587,242, T>C. VCF-style: chr17-7587242-T-C. GRCh37 (hg19) VCF-style: chr17-7490560-T-C.
Other names: c.531T>C, p.Ala177= (NM_001330073.1); short protein forms S197P.
Identifiers: ClinVar variation 2052017 (VCV002052017.4), dbSNP rs1213979314, ClinGen allele CA397841491.

ClinVar aggregate classification (germline): Uncertain significance (1 of 4 stars; one submission).

Conditions:
MPDU1-congenital disorder of glycosylation. Also called: CONGENITAL DISORDER OF GLYCOSYLATION, TYPE If; MPDU1-CDG; CDG If. Identifiers: Orphanet 79323, MedGen C1836669, MONDO:0012211, OMIM 609180.

Submission:

Labcorp Genetics (formerly Invitae), Labcorp
Classification: Uncertain significance for MPDU1-congenital disorder of glycosylation. Last evaluated: 2022-07-12. Review status: criteria provided, single submitter. Criteria: Invitae Variant Classification Sherloc (09022015). Collection method: clinical testing. Allele origin: germline.
Comment: This sequence change replaces serine, which is neutral and polar, with proline, which is neutral and non-polar, at codon 197 of the MPDU1 protein (p.Ser197Pro). This variant is present in population databases (no rsID available, gnomAD 0.006%). In summary, the available evidence is currently insufficient to determine the role of this variant in disease. Therefore, it has been classified as a Variant of Uncertain Significance. Algorithms developed to predict the effect of missense changes on protein structure and function are either unavailable or do not agree on the potential impact of this missense change (SIFT: "Tolerated"; PolyPhen-2: "Probably Damaging"; Align-GVGD: "Class C0"). This variant has not been reported in the literature in individuals affected with MPDU1-related conditions.